The following is an entry in ClinVar:

NM_000295.5(SERPINA1):c.1124T>C (p.Met375Thr)

Gene: SERPINA1 (serpin family A member 1; minus strand). Cytogenetic location: 14q32.13.
Variant type: single nucleotide variant.
Coding change: c.1124T>C on transcript NM_000295.5 (MANE Select); coding-DNA position 1124, T replaced by C.
Protein change: p.Met375Thr; replaces methionine 375 with threonine.
Molecular consequence: missense variant.
Genome position (GRCh38, 1-based): chr14:94,378,582, A>G on the plus strand (T>C on the coding strand, the complement: SERPINA1 is on the minus strand). VCF-style: chr14-94378582-A-G. GRCh37 (hg19) VCF-style: chr14-94844919-A-G.
Other names: c.1124T>C, p.Met375Thr (NM_001002235.3, NM_001002236.3, NM_001127700.2 and 7 more transcripts); short protein forms M375T.
Identifiers: ClinVar variation 3439870 (VCV003439870.2).

ClinVar aggregate classification (germline): Conflicting classifications of pathogenicity. Review status: criteria provided, conflicting classifications (1 of 4 stars). 2 submissions from 2 submitters: Uncertain significance (1); Likely benign (1). Last evaluated 2026-01-24.

Conditions:
Inborn genetic diseases. Identifiers: MedGen C0950123, MeSH D030342.
Alpha-1-antitrypsin deficiency (A1ATD). Also called: AAT deficiency; A1AT deficiency; Alpha1-Antitrypsin Deficiency. Identifiers: Orphanet 60, MedGen C0221757, MONDO:0013282, OMIM 613490.

gnomAD v4.1: 9 of 1,613,920 alleles (0.00056%); highest among the groups gnomAD compares: Admixed American, 0.005%; no homozygotes.

Submissions (2):

Labcorp Genetics (formerly Invitae), Labcorp
Classification: Uncertain significance for Alpha-1-antitrypsin deficiency. Last evaluated: 2026-01-24. Review status: criteria provided, single submitter. Criteria: Invitae Variant Classification Sherloc (09022015). Collection method: clinical testing. Allele origin: germline.
Comment: This sequence change replaces methionine, which is neutral and non-polar, with threonine, which is neutral and polar, at codon 375 of the SERPINA1 protein (p.Met375Thr). This variant is present in population databases (no rsID available, gnomAD 0.003%). This variant has not been reported in the literature in individuals affected with SERPINA1-related conditions. ClinVar contains an entry for this variant (Variation ID: 3439870). Invitae Evidence Modeling of protein sequence and biophysical properties (such as structural, functional, and spatial information, amino acid conservation, physicochemical variation, residue mobility, and thermodynamic stability) indicates that this missense variant is not expected to disrupt SERPINA1 protein function with a negative predictive value of 80%. In summary, the available evidence is currently insufficient to determine the role of this variant in disease. Therefore, it has been classified as a Variant of Uncertain Significance.

Ambry Genetics
Classification: Likely benign for Inborn genetic diseases. Last evaluated: 2024-09-30. Review status: criteria provided, single submitter. Criteria: Ambry Variant Classification Scheme 2023. Collection method: clinical testing. Allele origin: germline.